The following is an entry in ClinVar:

NM_017654.4(SAMD9):c.1024T>A (p.Phe342Ile)

Gene: SAMD9 (sterile alpha motif domain containing 9; minus strand). Cytogenetic location: 7q21.2.
Variant type: single nucleotide variant.
Coding change: c.1024T>A on transcript NM_017654.4 (MANE Select); coding-DNA position 1024, T replaced by A.
Protein change: p.Phe342Ile; replaces phenylalanine 342 with isoleucine.
Molecular consequence: missense variant.
Genome position (GRCh38, 1-based): chr7:93,105,074, A>T on the plus strand (T>A on the coding strand, the complement: SAMD9 is on the minus strand). VCF-style: chr7-93105074-A-T. GRCh37 (hg19) VCF-style: chr7-92734387-A-T.
Other names: c.1024T>A, p.Phe342Ile (NM_001193307.2); short protein forms F342I.
Identifiers: ClinVar variation 3791963 (VCV003791963.1).
Genomic context (GRCh38, chr7:93,105,074, plus strand): 5'-ATGCTCTGAAATCAACTTTATTTTTCGTAATGTCCTTAGAGCTGGTCCCATCTCGCACAA[A>T]TAGTGAGAATTTTTTACTTTGTTCCCATATTTTGTTGTTGTAATTTTGCATTTTAATCTG-3'
Protein context (NP_060124.2, residues 332-352): IWEQSKKFSL[Phe342Ile]VRDGTSSKDI

ClinVar aggregate classification (germline): Uncertain significance (1 of 4 stars; one submission).

Conditions:
Inborn genetic diseases. Identifiers: MedGen C0950123, MeSH D030342.

Submission:

Ambry Genetics
Classification: Uncertain significance for Inborn genetic diseases. Last evaluated: 2025-01-02. Review status: criteria provided, single submitter. Criteria: Ambry Variant Classification Scheme 2023. Collection method: clinical testing. Allele origin: germline.
Comment: The p.F342I variant (also known as c.1024T>A), located in coding exon 1 of the SAMD9 gene, results from a T to A substitution at nucleotide position 1024. The phenylalanine at codon 342 is replaced by isoleucine, an amino acid with highly similar properties. This amino acid position is conserved. In addition, this alteration is predicted to be tolerated by in silico analysis. Based on the available evidence, the clinical significance of this variant remains unclear.